The following is an entry in ClinVar:

ClinVar aggregate classification (germline): Benign. Review status: criteria provided, single submitter (1 of 4 stars). 2 submissions from 2 submitters: Benign (1). 1 of the submissions does not count toward it. Last evaluated 2026-01-28.

Conditions:
TNS2-related disorder. Also called: TNS2-related condition.

Allele frequency attached by ClinVar (database versions not stated): gnomAD exomes 0.00019; ExAC 0.00051; ESP Exome Variant Server 0.00138; 1000 Genomes Project 30x 0.00156; gnomAD 0.00188; 1000 Genomes Project 0.00200; TOPMed 0.00209.
gnomAD v4.1: 570 of 1,614,054 alleles (0.035%); highest among the groups gnomAD compares: African/African-American, 0.67%; 3 homozygotes.

Submissions (2):

Labcorp Genetics (formerly Invitae), Labcorp
Classification: Benign. Last evaluated: 2026-01-28. Review status: criteria provided, single submitter. Criteria: Invitae Variant Classification Sherloc (09022015). Collection method: clinical testing. Allele origin: germline.

PreventionGenetics, part of Exact Sciences
Classification: Likely benign for TNS2-related condition. Last evaluated: 2019-07-16. Review status: no assertion criteria provided. Collection method: clinical testing. Allele origin: germline. Not counted in ClinVar's aggregate classification.
Comment: This variant is classified as likely benign based on ACMG/AMP sequence variant interpretation guidelines (Richards et al. 2015 PMID: 25741868, with internal and published modifications).

NM_170754.4(TNS2):c.3780C>T (p.Pro1260=)

Gene: TNS2 (tensin 2; plus strand). Cytogenetic location: 12q13.13.
Variant type: single nucleotide variant.
Coding change: c.3780C>T on transcript NM_170754.4 (MANE Select); coding-DNA position 3780, C replaced by T.
Protein change: p.Pro1260=; no amino-acid change (proline 1260 retained).
Molecular consequence: synonymous variant.
Genome position (GRCh38, 1-based): chr12:53,062,654, C>T. VCF-style: chr12-53062654-C-T. GRCh37 (hg19) VCF-style: chr12-53456438-C-T.
Other names: c.3810C>T (NM_015319.2); c.3780C>T, p.Pro1260= (NM_001416202.1); c.3738C>T, p.Pro1246= (NM_001416203.1); c.3807C>T, p.Pro1269= (NM_001416204.1); c.3711C>T, p.Pro1237= (NM_015319.3); c.3408C>T, p.Pro1136= (NM_198316.2).
Identifiers: ClinVar variation 2048497 (VCV002048497.6), dbSNP rs138185577, ClinGen allele CA6592992.